The following is an entry in ClinVar:

Single allele

Gene: CLN3 (CLN3 lysosomal/endosomal transmembrane protein, battenin; minus strand). Cytogenetic location: 16p11.2.
Variant type: Deletion.
Identifiers: ClinVar variation 1120167 (VCV001120167.5).

ClinVar aggregate classification (germline): Pathogenic (1 of 4 stars; one submission).

Submission:

Mayo Clinic Laboratories, Mayo Clinic
Classification: Pathogenic. Last evaluated: 2019-06-18. Review status: criteria provided, single submitter. Criteria: ACMG Guidelines, 2015. Collection method: clinical testing. Allele origin: germline. Observed: 1 variant allele.
Comment: An out-of-frame deletion involving exons 8-9 of the CLN3 gene. PVS1, PS3, PS4, PM3

Literature cited by the submitters: PubMed 7553855; PubMed 9392580; PubMed 10332042; PubMed 17947292; PubMed 19135632.